The following is an entry in ClinVar:

ClinVar aggregate classification (germline): Uncertain significance (1 of 4 stars; one submission).

Conditions:
Inborn genetic diseases. Identifiers: MedGen C0950123, MeSH D030342.

Allele frequency attached by ClinVar (database versions not stated): ExAC 0.00002; gnomAD exomes 0.00003.
gnomAD v4.1: 48 of 1,613,228 alleles (0.003%); highest among the groups gnomAD compares: Non-Finnish European, 0.0039%; no homozygotes.

Submission:

Ambry Genetics
Classification: Uncertain significance for Inborn genetic diseases. Last evaluated: 2022-06-22. Review status: criteria provided, single submitter. Criteria: Ambry Variant Classification Scheme 2023. Collection method: clinical testing. Allele origin: germline.
Comment: The c.2716C>T (p.P906S) alteration is located in exon 23 (coding exon 19) of the ZMIZ1 gene. This alteration results from a C to T substitution at nucleotide position 2716, causing the proline (P) at amino acid position 906 to be replaced by a serine (S). Based on data from gnomAD, the T allele has an overall frequency of 0.0008% (2/250680) total alleles studied. The highest observed frequency was 0.002% (2/113304) of European (non-Finnish) alleles. This amino acid position is highly conserved in available vertebrate species. This alteration is predicted to be tolerated by in silico analysis. Based on insufficient or conflicting evidence, the clinical significance of this alteration remains unclear.

NM_020338.4(ZMIZ1):c.2716C>T (p.Pro906Ser)

Gene: ZMIZ1 (zinc finger MIZ-type containing 1; plus strand). Cytogenetic location: 10q22.3.
Variant type: single nucleotide variant.
Coding change: c.2716C>T on transcript NM_020338.4 (MANE Select); coding-DNA position 2716, C replaced by T.
Protein change: p.Pro906Ser; replaces proline 906 with serine.
Molecular consequence: missense variant.
Genome position (GRCh38, 1-based): chr10:79,307,452, C>T. VCF-style: chr10-79307452-C-T. GRCh37 (hg19) VCF-style: chr10-81067209-C-T.
Other names: short protein forms P906S.
Identifiers: ClinVar variation 2290002 (VCV002290002.2), dbSNP rs749925632, ClinGen allele CA5573098.